The following is an entry in ClinVar:

NM_001130438.3(SPTAN1):c.4486G>A (p.Val1496Ile)

Gene: SPTAN1 (spectrin alpha, non-erythrocytic 1; plus strand). Cytogenetic location: 9q34.11.
Variant type: single nucleotide variant.
Coding change: c.4486G>A on transcript NM_001130438.3 (MANE Select); coding-DNA position 4486, G replaced by A.
Protein change: p.Val1496Ile; replaces valine 1496 with isoleucine.
Molecular consequence: missense variant.
Genome position (GRCh38, 1-based): chr9:128,608,271, G>A. VCF-style: chr9-128608271-G-A. GRCh37 (hg19) VCF-style: chr9-131370550-G-A.
Other names: c.4426G>A, p.Val1476Ile (NM_001195532.2, NM_001363765.2, NM_001375314.2); c.4486G>A, p.Val1496Ile (NM_001363759.2, NM_001375310.1, NM_001375311.2 and 2 more transcripts); c.4522G>A, p.Val1508Ile (NM_001375312.2, NM_001375318.1); short protein forms V1496I, V1476I, V1508I.
Identifiers: ClinVar variation 2806851 (VCV002806851.3), dbSNP rs755130187, ClinGen allele CA5265181.

ClinVar aggregate classification (germline): Uncertain significance (1 of 4 stars; one submission).

Conditions:
Early-infantile DEE. Also called: Early infantile epileptic encephalopathy; Early infantile epileptic encephalopathy with suppression bursts; Ohtahara syndrome. Identifiers: Orphanet 1934, MedGen C0393706, MONDO:0800491.

Allele frequency attached by ClinVar (database versions not stated): gnomAD exomes below 0.00001; ExAC 0.00001; gnomAD 0.00001; TOPMed 0.00001.
gnomAD v4.1: 5 of 1,614,078 alleles (0.00031%); highest among the groups gnomAD compares: African/African-American, 0.0013%; no homozygotes.

Submission:

Labcorp Genetics (formerly Invitae), Labcorp
Classification: Uncertain significance for Early-infantile DEE. Last evaluated: 2023-11-22. Review status: criteria provided, single submitter. Criteria: Invitae Variant Classification Sherloc (09022015). Collection method: clinical testing. Allele origin: germline.
Comment: This sequence change replaces valine, which is neutral and non-polar, with isoleucine, which is neutral and non-polar, at codon 1496 of the SPTAN1 protein (p.Val1496Ile). This variant is present in population databases (rs755130187, gnomAD 0.002%). This variant has not been reported in the literature in individuals affected with SPTAN1-related conditions. Advanced modeling of protein sequence and biophysical properties (such as structural, functional, and spatial information, amino acid conservation, physicochemical variation, residue mobility, and thermodynamic stability) has been performed at Invitae for this missense variant, however the output from this modeling did not meet the statistical confidence thresholds required to predict the impact of this variant on SPTAN1 protein function. In summary, the available evidence is currently insufficient to determine the role of this variant in disease. Therefore, it has been classified as a Variant of Uncertain Significance.